The following is an entry in ClinVar:

NM_007078.3(LDB3):c.833T>G (p.Leu278Arg)

Gene: LDB3 (LIM domain binding 3; plus strand). Cytogenetic location: 10q23.2.
Variant type: single nucleotide variant.
Coding change: c.833T>G on transcript NM_007078.3 (MANE Select); coding-DNA position 833, T replaced by G.
Protein change: p.Leu278Arg; replaces leucine 278 with arginine.
Molecular consequence: missense variant.
Genome position (GRCh38, 1-based): chr10:86,692,039, T>G. VCF-style: chr10-86692039-T-G. GRCh37 (hg19) VCF-style: chr10-88451796-T-G.
Other names: c.692T>G, p.Leu231Arg (NM_001080114.2, NM_001080116.1, NM_001368066.1 and 2 more transcripts); c.833T>G, p.Leu278Arg (NM_001080115.2, NM_001368063.1, NM_001368064.1 and 1 more transcripts); c.1037T>G, p.Leu346Arg (NM_001171610.2, NM_001171611.2); short protein forms L231R, L278R, L346R.
Identifiers: ClinVar variation 1008504 (VCV001008504.9), dbSNP rs1845789692, ClinGen allele CA377443375.

ClinVar aggregate classification (germline): Uncertain significance (1 of 4 stars; one submission).

Conditions:
Myofibrillar myopathy 4. Also called: Zaspopathy (type). Identifiers: Orphanet 98912, MedGen C4721886, MONDO:0012277, OMIM 609452.

Submission:

Labcorp Genetics (formerly Invitae), Labcorp
Classification: Uncertain significance for Myofibrillar myopathy 4. Last evaluated: 2022-07-05. Review status: criteria provided, single submitter. Criteria: Invitae Variant Classification Sherloc (09022015). Collection method: clinical testing. Allele origin: germline.
Comment: This sequence change replaces leucine, which is neutral and non-polar, with arginine, which is basic and polar, at codon 231 of the LDB3 protein (p.Leu231Arg). This variant is not present in population databases (gnomAD no frequency). This variant has not been reported in the literature in individuals affected with LDB3-related conditions. ClinVar contains an entry for this variant (Variation ID: 1008504). Algorithms developed to predict the effect of missense changes on protein structure and function (SIFT, PolyPhen-2, Align-GVGD) all suggest that this variant is likely to be disruptive. In summary, the available evidence is currently insufficient to determine the role of this variant in disease. Therefore, it has been classified as a Variant of Uncertain Significance.